The following is an entry in ClinVar:

ClinVar aggregate classification (germline): Uncertain significance. Review status: criteria provided, multiple submitters, no conflicts (2 of 4 stars). 2 submissions from 2 submitters: Uncertain significance (2). Last evaluated 2025-04-18.

gnomAD v4.1: 31 of 1,612,584 alleles (0.0019%); highest among the groups gnomAD compares: Non-Finnish European, 0.0025%; no homozygotes.

Submissions (2):

GeneDx
Classification: Uncertain significance. Last evaluated: 2025-04-18. Review status: criteria provided, single submitter. Criteria: GeneDx Variant Classification Process June 2021. Collection method: clinical testing. Allele origin: germline. Affected: yes.
Comment: In silico analysis indicates that this missense variant does not alter protein structure/function; Has not been previously published as pathogenic or benign to our knowledge

Blueprint Genetics
Classification: Uncertain significance. Last evaluated: 2024-02-12. Review status: criteria provided, single submitter. Criteria: ACMG Guidelines, 2015. Collection method: clinical testing. Allele origin: germline.

NM_001606.5(ABCA2):c.1755C>G (p.Asp585Glu)

Gene: ABCA2 (ATP binding cassette subfamily A member 2; minus strand). Cytogenetic location: 9q34.3.
Variant type: single nucleotide variant.
Coding change: c.1755C>G on transcript NM_001606.5 (MANE Select); coding-DNA position 1755, C replaced by G.
Protein change: p.Asp585Glu; replaces aspartic acid 585 with glutamic acid.
Molecular consequence: missense variant.
Genome position (GRCh38, 1-based): chr9:137,018,783, G>C on the plus strand (C>G on the coding strand, the complement: ABCA2 is on the minus strand). VCF-style: chr9-137018783-G-C. GRCh37 (hg19) VCF-style: chr9-139913235-G-C.
Other names: c.1752C>G, p.Asp584Glu (NM_001411042.1); c.1845C>G, p.Asp615Glu (NM_212533.3); short protein forms D584E, D585E, D615E.
Identifiers: ClinVar variation 4282231 (VCV004282231.2).